The following is an entry in ClinVar:

NM_001356.5(DDX3X):c.584T>C (p.Ile195Thr)

Gene: DDX3X (DEAD-box helicase 3 X-linked; plus strand). Cytogenetic location: Xp11.4.
Variant type: single nucleotide variant.
Coding change: c.584T>C on transcript NM_001356.5 (MANE Select); coding-DNA position 584, T replaced by C.
Protein change: p.Ile195Thr; replaces isoleucine 195 with threonine.
Molecular consequence: missense variant. On other transcripts: non-coding transcript variant (1).
Genome position (GRCh38, 1-based): chrX:41,343,256, T>C. VCF-style: chrX-41343256-T-C. GRCh37 (hg19) VCF-style: chrX-41202509-T-C.
Other names: c.584T>C, p.Ile195Thr (NM_001193416.3); c.536T>C, p.Ile179Thr (NM_001193417.3); c.26T>C, p.Ile9Thr (NM_001363819.1); short protein forms I179T, I195T, I9T.
Identifiers: ClinVar variation 2627924 (VCV002627924.1), dbSNP rs2519511153, ClinGen allele CA412767909.

ClinVar aggregate classification (germline): Likely pathogenic (1 of 4 stars; one submission).

Conditions:
Intellectual disability, X-linked 102 (MRXSSB). Also called: Intellectual developmental disorder, X-linked syndromic, Snijders Blok type. Identifiers: Orphanet 457260, MedGen C5393299, MONDO:0010497, OMIM 300958.

Submission:

Illumina Laboratory Services, Illumina
Classification: Likely pathogenic for Intellectual disability, X-linked 102. Last evaluated: 2023-06-22. Review status: criteria provided, single submitter. Criteria: ICSLVariantClassificationCriteria RUGD 01 April 2020. Collection method: clinical testing. Allele origin: unknown.
Comment: The DDX3X c.584T>C (p.Ile195Thr) missense variant has not, to our knowledge, been reported in the peer-reviewed literature. This variant is not observed in version 2.1.1 or version 3.1.2 of the Genome Aggregation Database. Two other missense variants have been reported in the vicinity of this variant, p.Ile190Ser and p.Thr198Pro (PMID: 32135084; 35599849). Multiple lines of computational evidence suggest the variant may impact the gene or gene product. This variant was identified in a de novo state. Based on the available evidence, the c.584T>C (p.Ile195Thr) variant is classified as likely pathogenic for X-linked syndromic intellectual disability.